The following is an entry in ClinVar:

ClinVar aggregate classification (germline): Likely benign. Review status: criteria provided, multiple submitters, no conflicts (2 of 4 stars). 3 submissions from 3 submitters: Likely benign (2). 1 of the submissions does not count toward it. Last evaluated 2025-06-04.

Conditions:
Usher syndrome type 1 (USH1). Also called: RETINITIS PIGMENTOSA AND CONGENITAL DEAFNESS. Identifiers: Orphanet 231169, Orphanet 886, MedGen C1568247, MONDO:0010168, OMIM 276900.
CDH23-related disorder. Also called: CDH23-related condition; CDH23-related disorders.

Allele frequency attached by ClinVar (database versions not stated): gnomAD exomes 0.00001; ExAC 0.00002; gnomAD 0.00003; TOPMed 0.00004.
gnomAD v4.1: 46 of 1,606,634 alleles (0.0029%); highest among the groups gnomAD compares: Non-Finnish European, 0.0035%; no homozygotes.

Submissions (3):

PreventionGenetics, part of Exact Sciences
Classification: Likely benign for CDH23-related condition. Last evaluated: 2025-06-04. Review status: criteria provided, single submitter. Criteria: ACMG Guidelines, 2015. Collection method: clinical testing. Allele origin: germline.
Comment: This variant is classified as likely benign based on ACMG/AMP sequence variant interpretation guidelines (Richards et al. 2015 PMID: 25741868, with internal and published modifications).

Labcorp Genetics (formerly Invitae), Labcorp
Classification: Likely benign. Last evaluated: 2023-02-20. Review status: criteria provided, single submitter. Criteria: Invitae Variant Classification Sherloc (09022015). Collection method: clinical testing. Allele origin: germline.

Natera, Inc.
Classification: Likely benign for Usher syndrome type 1. Last evaluated: 2021-09-09. Review status: no assertion criteria provided. Collection method: clinical testing. Allele origin: germline. Not counted in ClinVar's aggregate classification.

NM_022124.6(CDH23):c.2994C>T (p.Ala998=)

Gene: CDH23 (cadherin related 23; plus strand). Cytogenetic location: 10q22.1.
Variant type: single nucleotide variant.
Coding change: c.2994C>T on transcript NM_022124.6 (MANE Select); coding-DNA position 2994, C replaced by T.
Protein change: p.Ala998=; no amino-acid change (alanine 998 retained).
Molecular consequence: synonymous variant.
Genome position (GRCh38, 1-based): chr10:71,706,937, C>T. VCF-style: chr10-71706937-C-T. GRCh37 (hg19) VCF-style: chr10-73466694-C-T.
Other names: c.2994C>T, p.Ala998= (NM_001171930.2, NM_001171931.2).
Identifiers: ClinVar variation 797811 (VCV000797811.12), dbSNP rs767831814, ClinGen allele CA5544417.
Genomic context (GRCh38, chr10:71,706,937, plus strand): 5'-GCGCCCGTTCTGCCCCGCAGTGCTGGATGTGAACGACGAGACGCCCACCTTCTTCCCGGC[C>T]GTGTACAATGTGTCTGTGTCCGAGGACGTGCCACGCGAGTTCCGGGTGGTCTGGCTGAAC-3'
Protein context (NP_071407.4, residues 988-1008): VNDETPTFFP[Ala998=]VYNVSVSEDV